The following is an entry in ClinVar:

ClinVar aggregate classification (germline): Uncertain significance (1 of 4 stars; one submission).

Conditions:
EPHB4-related disorder. Also called: EPHB4-related disorders; EPHB4-related condition.

Submission:

PreventionGenetics, part of Exact Sciences
Classification: Uncertain significance for EPHB4-related condition. Last evaluated: 2022-08-18. Review status: criteria provided, single submitter. Criteria: ACMG Guidelines, 2015. Collection method: clinical testing. Allele origin: germline.
Comment: The EPHB4 c.2573_2598del26 variant is predicted to result in a frameshift and premature protein termination (p.Gln858Leufs*79). To our knowledge, this variant has not been reported in the literature or in a large population database, indicating this variant is rare. Protein truncating variants in EPHB4 have been documented as pathogenic; however, all of these variants have been reported upstream of amino acid 858 (Human Gene Mutation Database). Although we suspect that this variant may be pathogenic, at this time, the clinical significance of this variant is uncertain due to the absence of conclusive functional and genetic evidence.

NM_004444.5(EPHB4):c.2573_2598del (p.Gln858fs)

Genes: EPHB4 (EPH receptor B4; minus strand), LOC126860124 (CDK7 strongly-dependent group 2 enhancer GRCh37_chr7:100403701-100404900; plus strand). Cytogenetic location: 7q22.1.
Variant type: Deletion.
Coding change: c.2573_2598del on transcript NM_004444.5 (MANE Select); coding-DNA positions 2573 to 2598, 26 bases deleted (AGAAAGACCGGAATGCCCGGCCCCGC).
Protein change: p.Gln858fs; shifts the reading frame from glutamine 858.
Molecular consequence: frameshift variant.
Genome position (GRCh38, 1-based): chr7:100,805,581-100,805,606, GCGGGGCCGGGCATTCCGGTCTTTCT deleted on the plus strand (AGAAAGACCGGAATGCCCGGCCCCGC on the coding strand, the reverse complement: EPHB4 is on the minus strand); deleting any 26 consecutive bases within chr7:100,805,581-100,805,608 gives the same sequence; the c. name uses the placement nearest the transcript's 3' end. VCF-style (leftmost placement, unchanged base first): chr7-100805580-AGCGGGGCCGGGCATTCCGGTCTTTCT-A. GRCh37 (hg19) VCF-style: chr7-100403202-AGCGGGGCCGGGCATTCCGGTCTTTCT-A.
Other names: short protein forms Q858fs.
Identifiers: ClinVar variation 2636571 (VCV002636571.1), dbSNP rs2484997804, ClinGen allele CA2695199598.